The following is an entry in ClinVar:

NM_152309.3(PIK3AP1):c.1472G>A (p.Gly491Asp)

Gene: PIK3AP1 (phosphoinositide-3-kinase adaptor protein 1; minus strand). Cytogenetic location: 10q24.1.
Variant type: single nucleotide variant.
Coding change: c.1472G>A on transcript NM_152309.3 (MANE Select); coding-DNA position 1472, G replaced by A.
Protein change: p.Gly491Asp; replaces glycine 491 with aspartic acid.
Molecular consequence: missense variant.
Genome position (GRCh38, 1-based): chr10:96,626,905, C>T on the plus strand (G>A on the coding strand, the complement: PIK3AP1 is on the minus strand). VCF-style: chr10-96626905-C-T. GRCh37 (hg19) VCF-style: chr10-98386662-C-T.
Other names: short protein forms G491D.
Identifiers: ClinVar variation 1940642 (VCV001940642.5), dbSNP rs2493661820, ClinGen allele CA377756326.
Genomic context (GRCh38, chr10:96,626,905, plus strand): 5'-TCTTCTTCCTGACCAAGATGGCACTGATCTCTCTCCAGATTGGTCATTCCCATGCTGTTG[C>T]CTAGAAACGCAGAGAAAGGTGACTGAAAGCAGTGGCCAAACAAACTGGGTGATCATCAGT-3'
Protein context (NP_689522.2, residues 481-501): KDSMIRKFLE[Gly491Asp]NSMGMTNLER

ClinVar aggregate classification (germline): Uncertain significance (1 of 4 stars; one submission).

Conditions:
Infantile spasms. Also called: Infantile spasm. Identifiers: MedGen C3887898, HP:0012469.

gnomAD v4.1: 1 of 1,612,820 alleles (0.000062%); no homozygotes.

Submission:

Labcorp Genetics (formerly Invitae), Labcorp
Classification: Uncertain significance for Infantile spasms. Last evaluated: 2022-07-29. Review status: criteria provided, single submitter. Criteria: Invitae Variant Classification Sherloc (09022015). Collection method: clinical testing. Allele origin: germline.
Comment: In summary, the available evidence is currently insufficient to determine the role of this variant in disease. Therefore, it has been classified as a Variant of Uncertain Significance. Algorithms developed to predict the effect of missense changes on protein structure and function are either unavailable or do not agree on the potential impact of this missense change (SIFT: "Tolerated"; PolyPhen-2: "Probably Damaging"; Align-GVGD: "Class C0"). This variant has not been reported in the literature in individuals affected with PIK3AP1-related conditions. This variant is not present in population databases (gnomAD no frequency). This sequence change replaces glycine, which is neutral and non-polar, with aspartic acid, which is acidic and polar, at codon 491 of the PIK3AP1 protein (p.Gly491Asp).